The following is an entry in ClinVar:

ClinVar aggregate classification (germline): Uncertain significance (1 of 4 stars; one submission).

gnomAD v4.1: 1 of 1,614,102 alleles (0.000062%); highest among the groups gnomAD compares: Non-Finnish European, 0.000085%; no homozygotes.

Submission:

Labcorp Genetics (formerly Invitae), Labcorp
Classification: Uncertain significance. Last evaluated: 2024-07-08. Review status: criteria provided, single submitter. Criteria: Invitae Variant Classification Sherloc (09022015). Collection method: clinical testing. Allele origin: germline.
Comment: This sequence change replaces isoleucine, which is neutral and non-polar, with threonine, which is neutral and polar, at codon 495 of the ACO2 protein (p.Ile495Thr). This variant is present in population databases (no rsID available, gnomAD 0.0009%). This variant has not been reported in the literature in individuals affected with ACO2-related conditions. An algorithm developed to predict the effect of missense changes on protein structure and function (PolyPhen-2) suggests that this variant is likely to be disruptive. In summary, the available evidence is currently insufficient to determine the role of this variant in disease. Therefore, it has been classified as a Variant of Uncertain Significance.

NM_001098.3(ACO2):c.1484T>C (p.Ile495Thr)

Gene: ACO2 (aconitase 2; plus strand). Cytogenetic location: 22q13.2.
Variant type: single nucleotide variant.
Coding change: c.1484T>C on transcript NM_001098.3 (MANE Select); coding-DNA position 1484, T replaced by C.
Protein change: p.Ile495Thr; replaces isoleucine 495 with threonine.
Molecular consequence: missense variant.
Genome position (GRCh38, 1-based): chr22:41,524,847, T>C. VCF-style: chr22-41524847-T-C. GRCh37 (hg19) VCF-style: chr22-41920851-T-C.
Other names: short protein forms I495T.
Identifiers: ClinVar variation 3674706 (VCV003674706.2).